The following is an entry in ClinVar:

ClinVar aggregate classification (germline): Uncertain significance (1 of 4 stars; one submission).

Conditions:
Epidermodysplasia verruciformis. Identifiers: Orphanet 302, MedGen C0014522, MONDO:0009176.

Allele frequency attached by ClinVar (database versions not stated): ExAC 0.00038; ESP Exome Variant Server 0.00039; gnomAD exomes 0.00011; gnomAD 0.00040; 1000 Genomes Project 30x 0.00078; 1000 Genomes Project 0.00060; TOPMed 0.00046.
gnomAD v4.1: 118 of 1,557,490 alleles (0.0076%); highest among the groups gnomAD compares: African/African-American, 0.12%; no homozygotes.

Submission:

Labcorp Genetics (formerly Invitae), Labcorp
Classification: Uncertain significance for Epidermodysplasia verruciformis. Last evaluated: 2022-05-27. Review status: criteria provided, single submitter. Criteria: Invitae Variant Classification Sherloc (09022015). Collection method: clinical testing. Allele origin: germline.
Comment: This sequence change replaces alanine, which is neutral and non-polar, with valine, which is neutral and non-polar, at codon 793 of the TMC6 protein (p.Ala793Val). The frequency data for this variant in the population databases is considered unreliable, as metrics indicate poor data quality at this position in the gnomAD database. This variant has not been reported in the literature in individuals affected with TMC6-related conditions. ClinVar contains an entry for this variant (Variation ID: 946600). Algorithms developed to predict the effect of missense changes on protein structure and function output the following: SIFT: "Not Available"; PolyPhen-2: "Benign"; Align-GVGD: "Not Available". The valine amino acid residue is found in multiple mammalian species, which suggests that this missense change does not adversely affect protein function. In summary, the available evidence is currently insufficient to determine the role of this variant in disease. Therefore, it has been classified as a Variant of Uncertain Significance.

NM_001127198.5(TMC6):c.2378C>T (p.Ala793Val)

Gene: TMC6 (transmembrane channel like 6; minus strand). Cytogenetic location: 17q25.3.
Variant type: single nucleotide variant.
Coding change: c.2378C>T on transcript NM_001127198.5 (MANE Select); coding-DNA position 2378, C replaced by T.
Protein change: p.Ala793Val; replaces alanine 793 with valine.
Molecular consequence: missense variant.
Genome position (GRCh38, 1-based): chr17:78,113,188, G>A on the plus strand (C>T on the coding strand, the complement: TMC6 is on the minus strand). VCF-style: chr17-78113188-G-A. GRCh37 (hg19) VCF-style: chr17-76109269-G-A.
Other names: c.2378C>T, p.Ala793Val (NM_001321185.1, NM_001374596.1, NM_001375353.1 and 2 more transcripts); c.2198C>T, p.Ala733Val (NM_001374593.1, NM_001374594.1); short protein forms A733V, A793V.
Identifiers: ClinVar variation 946600 (VCV000946600.7), dbSNP rs138958849, ClinGen allele CA8795287.
Genomic context (GRCh38, chr17:78,113,188, plus strand): 5'-TGAGGCCCATCGCCGTCCCCCTAGGCATCCTGTTCATCTGTGAGCAGGGCAGGGGGTGCC[G>A]CAGCCTCCTCGGTTGTCCCAACCCTGCCAGAAAGAGACATCACTGAGGGGACCCCATAAA-3'
Protein context (NP_001120670.1, residues 783-803): RSRVGTTEEA[Ala793Val]APPALLTDEQ